The following is an entry in ClinVar:

ClinVar aggregate classification (germline): Conflicting classifications of pathogenicity. Review status: criteria provided, conflicting classifications (1 of 4 stars). 3 submissions from 3 submitters: Uncertain significance (2); Likely benign (1). Last evaluated 2026-09-02.

Conditions:
TG-related disorder. Also called: TG-related disorders; TG-related condition.
Iodotyrosyl coupling defect (TDH3). Also called: HYPOTHYROIDISM, CONGENITAL, DUE TO DYSHORMONOGENESIS, 3; THYROID HORMONOGENESIS, GENETIC DEFECT IN, 3. Identifiers: Orphanet 95716, MedGen C0342194, MONDO:0010135, OMIM 274700.

Allele frequency attached by ClinVar (database versions not stated): ExAC 0.00031; ESP Exome Variant Server 0.00031; TOPMed 0.00037; gnomAD exomes 0.00041 and 0.00062; gnomAD 0.00042 and 0.00043; 1000 Genomes Project 0.00080; 1000 Genomes Project 30x 0.00094.
gnomAD v4.1: 973 of 1,614,190 alleles (0.06%); highest among the groups gnomAD compares: Non-Finnish European, 0.069%; no homozygotes.

Submissions (3):

PreventionGenetics, part of Exact Sciences
Classification: Uncertain significance for TG-related condition. Last evaluated: 2026-09-02. Review status: criteria provided, single submitter. Criteria: ACMG Guidelines, 2015. Collection method: clinical testing. Allele origin: germline.
Comment: The TG c.958C>T variant is predicted to result in the amino acid substitution p.Arg320Cys. This variant has been reported in an individual with congenital hypothyroidism, however a second TG variant was not identified (Table SII, Huang et al. 2025. PubMed ID: 39720292). This variant is reported in 0.085% of alleles in individuals of South Asian descent in gnomAD. Although we suspect that this variant may be benign, at this time, the clinical significance of this variant is uncertain due to the absence of conclusive functional and genetic evidence.

Blueprint Genetics
Classification: Likely benign. Last evaluated: 2024-10-09. Review status: criteria provided, single submitter. Criteria: ACMG Guidelines, 2015. Collection method: clinical testing. Allele origin: germline.

Baylor Genetics
Classification: Uncertain significance for Iodotyrosyl coupling defect. Last evaluated: 2019-07-16. Review status: criteria provided, single submitter. Criteria: ACMG Guidelines, 2015. Collection method: clinical testing. Allele origin: unknown. Affected: yes.
Comment: This variant was determined to be of uncertain significance according to ACMG Guidelines, 2015 [PMID:25741868].

NM_003235.5(TG):c.958C>T (p.Arg320Cys)

Gene: TG (thyroglobulin; plus strand). Cytogenetic location: 8q24.22.
Variant type: single nucleotide variant.
Coding change: c.958C>T on transcript NM_003235.5 (MANE Select); coding-DNA position 958, C replaced by T.
Protein change: p.Arg320Cys; replaces arginine 320 with cysteine.
Molecular consequence: missense variant.
Genome position (GRCh38, 1-based): chr8:132,882,882, C>T. VCF-style: chr8-132882882-C-T. GRCh37 (hg19) VCF-style: chr8-133895127-C-T.
Other names: short protein forms R320C.
Identifiers: ClinVar variation 1028589 (VCV001028589.3), dbSNP rs138561283, ClinGen allele CA4883065.